The following is an entry in ClinVar:

NM_000836.4(GRIN2D):c.2852C>T (p.Pro951Leu)

Gene: GRIN2D (glutamate ionotropic receptor NMDA type subunit 2D; plus strand). Cytogenetic location: 19q13.33.
Variant type: single nucleotide variant.
Coding change: c.2852C>T on transcript NM_000836.4 (MANE Select); coding-DNA position 2852, C replaced by T.
Protein change: p.Pro951Leu; replaces proline 951 with leucine.
Molecular consequence: missense variant.
Genome position (GRCh38, 1-based): chr19:48,442,778, C>T. VCF-style: chr19-48442778-C-T. GRCh37 (hg19) VCF-style: chr19-48946035-C-T.
Other names: c.2852C>T (NM_000836.2); short protein forms P951L.
Identifiers: ClinVar variation 1358430 (VCV001358430.38), dbSNP rs1167787806, ClinGen allele CA406673981.
Genomic context (GRCh38, chr19:48,442,778, plus strand): 5'-CTTTCGTGCCCCGCGAGCGCGCCTCAGTGGACCGCTGGCGCCGGACCAAGGGCGCGGGGC[C>T]GCCGGGGGGCGCGGGCCTGGCCGACGGCTTCCACCGCTACTACGGCCCCATCGAGCCGCA-3'
Protein context (NP_000827.2, residues 941-961): DRWRRTKGAG[Pro951Leu]PGGAGLADGF

ClinVar aggregate classification (germline): Conflicting classifications of pathogenicity. Review status: criteria provided, conflicting classifications (1 of 4 stars). 4 submissions from 4 submitters: Uncertain significance (2); Likely benign (2). Last evaluated 2026-01-24.

Conditions:
Inborn genetic diseases. Identifiers: MedGen C0950123, MeSH D030342.

Allele frequency attached by ClinVar (database versions not stated): TOPMed 0.00003; gnomAD exomes 0.00010.
gnomAD v4.1: 90 of 1,068,026 alleles (0.0084%); highest among the groups gnomAD compares: Non-Finnish European, 0.01%; no homozygotes.

Submissions (4):

Labcorp Genetics (formerly Invitae), Labcorp
Classification: Uncertain significance. Last evaluated: 2026-01-24. Review status: criteria provided, single submitter. Criteria: Invitae Variant Classification Sherloc (09022015). Collection method: clinical testing. Allele origin: germline.
Comment: This sequence change replaces proline, which is neutral and non-polar, with leucine, which is neutral and non-polar, at codon 951 of the GRIN2D protein (p.Pro951Leu). This variant is present in population databases (no rsID available, gnomAD 0.007%). This variant has not been reported in the literature in individuals affected with GRIN2D-related conditions. ClinVar contains an entry for this variant (Variation ID: 1358430). Invitae Evidence Modeling of protein sequence and biophysical properties (such as structural, functional, and spatial information, amino acid conservation, physicochemical variation, residue mobility, and thermodynamic stability) indicates that this missense variant is not expected to disrupt GRIN2D protein function with a negative predictive value of 95%. In summary, the available evidence is currently insufficient to determine the role of this variant in disease. Therefore, it has been classified as a Variant of Uncertain Significance.

Ambry Genetics
Classification: Uncertain significance for Inborn genetic diseases. Last evaluated: 2025-12-15. Review status: criteria provided, single submitter. Criteria: Ambry Variant Classification Scheme 2023. Collection method: clinical testing. Allele origin: germline.

CeGaT Center for Human Genetics Tuebingen
Classification: Likely benign. Last evaluated: 2024-02-01. Review status: criteria provided, single submitter. Criteria: CeGaT Center For Human Genetics Tuebingen Variant Classification Criteria Version 2. Collection method: clinical testing. Allele origin: germline. Affected: yes. Observed: 2 variant alleles.
Comment: GRIN2D: PP2, BS1

Blueprint Genetics
Classification: Likely benign. Last evaluated: 2023-04-12. Review status: criteria provided, single submitter. Criteria: ACMG Guidelines, 2015. Collection method: clinical testing. Allele origin: germline.